The following is an entry in ClinVar:

NM_177438.3(DICER1):c.1908-12T>C

Gene: DICER1 (dicer 1, ribonuclease III; minus strand). Cytogenetic location: 14q32.13.
Variant type: single nucleotide variant.
Coding change: c.1908-12T>C on transcript NM_177438.3 (MANE Select); 12 bases into the intron before coding-DNA position 1908, T replaced by C.
Molecular consequence: intron variant.
Genome position (GRCh38, 1-based): chr14:95,113,236, A>G on the plus strand (T>C on the coding strand, the complement: DICER1 is on the minus strand). VCF-style: chr14-95113236-A-G. GRCh37 (hg19) VCF-style: chr14-95579573-A-G.
Other names: c.1908-12T>C (NM_001291628.2, NM_030621.4, NM_001395677.1 and 12 more transcripts); c.1503-12T>C (NM_001395690.1, NM_001395687.1, NM_001395689.1 and 3 more transcripts); c.1626-12T>C (NM_001395686.1); c.1341-12T>C (NM_001395691.1); c.225-12T>C (NM_001395697.1).
Identifiers: ClinVar variation 2918292 (VCV002918292.4), dbSNP rs1892141883, ClinGen allele CA2156311457.

ClinVar aggregate classification (germline): Likely benign. Review status: criteria provided, multiple submitters, no conflicts (2 of 4 stars). 2 submissions from 2 submitters: Likely benign (2). Last evaluated 2026-04-13.

Conditions:
DICER1-related tumor predisposition. Also called: DICER1-related pleuropulmonary blastoma cancer predisposition syndrome; DICER1 syndrome. Identifiers: Orphanet 284343, MedGen C3839822, MONDO:0100216.

Submissions (2):

Myriad Genetics, Inc.
Classification: Likely benign for DICER1-related tumor predisposition. Last evaluated: 2026-04-13. Review status: criteria provided, single submitter. Criteria: Myriad Autosomal Dominant, Autosomal Recessive and X-Linked Classification Criteria (2023). Collection method: clinical testing. Allele origin: unknown.
Comment: This variant is considered likely benign. This variant is intronic and is not expected to impact mRNA splicing.

Labcorp Genetics (formerly Invitae), Labcorp
Classification: Likely benign for DICER1-related tumor predisposition. Last evaluated: 2023-05-07. Review status: criteria provided, single submitter. Criteria: Invitae Variant Classification Sherloc (09022015). Collection method: clinical testing. Allele origin: germline.